The following is an entry in ClinVar:

NM_001127222.2(CACNA1A):c.6666_6672del (p.Pro2223fs)

Gene: CACNA1A (calcium voltage-gated channel subunit alpha1 A; minus strand). Cytogenetic location: 19p13.13.
Variant type: Deletion.
Coding change: c.6666_6672del on transcript NM_001127222.2 (MANE Select); coding-DNA positions 6666 to 6672, 7 bases deleted (CCCCGAC; older notation c.6666_6672delCCCCGAC).
Protein change: p.Pro2223fs; shifts the reading frame from proline 2223.
Molecular consequence: frameshift variant.
Genome position (GRCh38, 1-based): chr19:13,208,864-13,208,870, GTCGGGG deleted on the plus strand (CCCCGAC on the coding strand, the reverse complement: CACNA1A is on the minus strand); deleting any 7 consecutive bases within chr19:13,208,864-13,208,871 gives the same sequence; the c. name uses the placement nearest the transcript's 3' end. VCF-style (leftmost placement, unchanged base first): chr19-13208863-TGTCGGGG-T. GRCh37 (hg19) VCF-style: chr19-13319677-TGTCGGGG-T.
Other names: c.6684_6690del, p.Pro2229fs (NM_000068.4, NM_023035.3); c.6668_6674delCCCCCGA, p.Pro2224Argfs (NM_001127221.1); c.6669_6675del, p.Pro2224fs (NM_001127221.2); c.6675_6681del, p.Pro2226fs (NM_001174080.2); short protein forms P2223fs, P2224fs, P2226fs, P2229fs.
Identifiers: ClinVar variation 2446092 (VCV002446092.1), dbSNP rs2512515874, ClinGen allele CA2580096587.

ClinVar aggregate classification (germline): Uncertain significance (1 of 4 stars; one submission).

Submission:

GeneDx
Classification: Uncertain significance. Last evaluated: 2022-09-19. Review status: criteria provided, single submitter. Criteria: GeneDx Variant Classification Process June 2021. Collection method: clinical testing. Allele origin: germline. Affected: yes.
Comment: Frameshift variant predicted to result in protein truncation as the last 38 amino acids are replaced with 280 different amino acids, although loss-of-function variants have not been reported downstream of this position in the protein; Not observed at significant frequency in large population cohorts (gnomAD); Has not been previously published as pathogenic or benign to our knowledge